The following is an entry in ClinVar:

NM_020975.6(RET):c.268G>T (p.Glu90Ter)

Gene: RET (ret proto-oncogene; plus strand). Cytogenetic location: 10q11.21.
Variant type: single nucleotide variant.
Coding change: c.268G>T on transcript NM_020975.6 (MANE Select); coding-DNA position 268, G replaced by T.
Protein change: p.Glu90Ter; replaces glutamic acid 90 with a stop codon.
Molecular consequence: nonsense.
Genome position (GRCh38, 1-based): chr10:43,100,653, G>T. VCF-style: chr10-43100653-G-T. GRCh37 (hg19) VCF-style: chr10-43596101-G-T.
Other names: c.268G>T, p.Glu90Ter (NM_000323.2, NM_001406743.1, NM_001406744.1 and 34 more transcripts); short protein forms E90*.
Identifiers: ClinVar variation 642786 (VCV000642786.7), dbSNP rs1588862638, ClinGen allele CA376770450.

ClinVar aggregate classification (germline): Pathogenic (1 of 4 stars; one submission).

Conditions:
Multiple endocrine neoplasia, type 2 (MEN2). Identifiers: Orphanet 653, MedGen C4048306, MONDO:0019003. Disease mechanism: gain of function.

Submission:

Labcorp Genetics (formerly Invitae), Labcorp
Classification: Pathogenic for Multiple endocrine neoplasia, type 2. Last evaluated: 2018-07-30. Review status: criteria provided, single submitter. Criteria: Invitae Variant Classification Sherloc (09022015). Collection method: clinical testing. Allele origin: germline.
Comment: This sequence change creates a premature translational stop signal (p.Glu90*) in the RET gene. It is expected to result in an absent or disrupted protein product. This variant is not present in population databases (ExAC no frequency). This variant has not been reported in the literature in individuals with RET-related disease. Loss-of-function variants in RET are known to be pathogenic (PMID: 22174939, 22648184). For these reasons, this variant has been classified as Pathogenic.

Literature cited by the submitters: PubMed 22174939; PubMed 22648184.